The following is an entry in ClinVar:

ClinVar aggregate classification (germline): Uncertain significance (1 of 4 stars; one submission).

Conditions:
Hereditary cancer-predisposing syndrome. Also called: Neoplastic Syndromes, Hereditary; Tumor predisposition; Hereditary neoplastic syndrome; Hereditary Cancer Syndrome. Identifiers: Orphanet 140162, MedGen C0027672, MeSH D009386, MONDO:0015356.

Submission:

Ambry Genetics
Classification: Uncertain significance for Hereditary cancer-predisposing syndrome. Last evaluated: 2025-05-06. Review status: criteria provided, single submitter. Criteria: Ambry Variant Classification Scheme 2023. Collection method: clinical testing. Allele origin: germline.
Comment: The p.S222R variant (also known as c.666C>A), located in coding exon 6 of the PMS2 gene, results from a C to A substitution at nucleotide position 666. The serine at codon 222 is replaced by arginine, an amino acid with dissimilar properties. This amino acid position is conserved. In addition, the in silico prediction for this alteration is inconclusive. Since supporting evidence is limited at this time, the clinical significance of this alteration remains unclear.

NM_000535.7(PMS2):c.666C>A (p.Ser222Arg)

Gene: PMS2 (PMS1 homolog 2, mismatch repair system component; minus strand). Cytogenetic location: 7p22.1.
Variant type: single nucleotide variant.
Coding change: c.666C>A on transcript NM_000535.7 (MANE Select); coding-DNA position 666, C replaced by A.
Protein change: p.Ser222Arg; replaces serine 222 with arginine.
Molecular consequence: missense variant. On other transcripts: 5 prime UTR variant (2), non-coding transcript variant (1), intron variant (9).
Genome position (GRCh38, 1-based): chr7:5,999,147, G>T on the plus strand (C>A on the coding strand, the complement: PMS2 is on the minus strand). VCF-style: chr7-5999147-G-T. GRCh37 (hg19) VCF-style: chr7-6038778-G-T.
Other names: c.261C>A, p.Ser87Arg (NM_001018040.1, NM_001322003.2, NM_001322004.2 and 20 more transcripts); c.666C>A, p.Ser222Arg (NM_001322006.2, NM_001322014.2, NM_001406870.1 and 4 more transcripts); c.348C>A, p.Ser116Arg (NM_001322007.2, NM_001322008.2, NM_001406876.1 and 4 more transcripts); c.-268C>A (NM_001322011.2, NM_001322012.2); c.357C>A, p.Ser119Arg (NM_001322015.2, NM_001406875.1, NM_001406877.1 and 6 more transcripts); c.852C>A, p.Ser284Arg (NM_001406866.1); c.690C>A, p.Ser230Arg (NM_001406868.1); c.330C>A, p.Ser110Arg (NM_001406885.1); and 6 more; short protein forms S110R, S119R, S222R, S284R, S116R, S230R, S87R.
Identifiers: ClinVar variation 2451613 (VCV002451613.3), dbSNP rs1784796294, ClinGen allele CA366743889.
Genomic context (GRCh38, chr7:5,999,147, plus strand): 5'-GAAGTAACCGGCCATCACTACCTGCTTCTGCCCAAACACAGAGCCGATATTTTCCTTTAT[G>T]CTGGGGCTTCCACCTGTGCATACCACAGGCTGTCGTTTTCCTTGTCCAAGCTGATTGGTG-3'
Protein context (NP_000526.2, residues 212-232): QPVVCTGGSP[Ser222Arg]IKENIGSVFG